The following is an entry in ClinVar:

ClinVar aggregate classification (germline): Benign/Likely benign. Review status: criteria provided, multiple submitters, no conflicts (2 of 4 stars). 3 submissions from 3 submitters: Benign (1); Likely benign (2). Last evaluated 2025-03-20.

Conditions:
Hyperthyroxinemia, familial dysalbuminemic (FDAH). Also called: EUTHYROID HYPERTHYROXINEMIA 1. Identifiers: MedGen C0342185, MONDO:0014448, OMIM 615999.

Allele frequency attached by ClinVar (database versions not stated): gnomAD 0.00049; ExAC 0.00054; TOPMed 0.00056; gnomAD exomes 0.00058 and 0.00069; ESP Exome Variant Server 0.00092.
gnomAD v4.1: 1,081 of 1,613,948 alleles (0.067%); highest among the groups gnomAD compares: Non-Finnish European, 0.067%; 3 homozygotes.

Submissions (3):

Labcorp Genetics (formerly Invitae), Labcorp
Classification: Benign. Last evaluated: 2025-03-20. Review status: criteria provided, single submitter. Criteria: Invitae Variant Classification Sherloc (09022015). Collection method: clinical testing. Allele origin: germline.

Illumina Laboratory Services, Illumina
Classification: Likely benign for Hyperthyroxinemia, familial dysalbuminemic. Last evaluated: 2018-01-13. Review status: criteria provided, single submitter. Criteria: ICSL Variant Classification Criteria 13 December 2019. Collection method: clinical testing. Allele origin: germline.
Comment: This variant was observed in the ICSL laboratory as part of a predisposition screen in an ostensibly healthy population. It had not been previously curated by ICSL or reported in the Human Gene Mutation Database (HGMD: prior to June 1st, 2018), and was therefore a candidate for classification through an automated scoring system. Utilizing variant allele frequency, disease prevalence and penetrance estimates, and inheritance mode, an automated score was calculated to assess if this variant is too frequent to cause the disease. Based on the score and internal cut-off values, a variant classified as likely benign is not then subjected to further curation. The score for this variant resulted in a classification of likely benign for this disease.

Breakthrough Genomics
Classification: Likely benign. Review status: criteria provided, single submitter. Criteria: ACMG Guidelines, 2015. Collection method: not provided. Allele origin: germline. Inheritance: Autosomal recessive inheritance. Affected: yes.

NM_000477.7(ALB):c.1446C>T (p.Asn482=)

Gene: ALB (albumin; plus strand). Cytogenetic location: 4q13.3.
Variant type: single nucleotide variant.
Coding change: c.1446C>T on transcript NM_000477.7 (MANE Select); coding-DNA position 1446, C replaced by T.
Protein change: p.Asn482=; no amino-acid change (asparagine 482 retained).
Molecular consequence: synonymous variant.
Genome position (GRCh38, 1-based): chr4:73,418,105, C>T. VCF-style: chr4-73418105-C-T. GRCh37 (hg19) VCF-style: chr4-74283822-C-T.
Identifiers: ClinVar variation 349633 (VCV000349633.9), dbSNP rs59597814, ClinGen allele CA2959669.